The following is an entry in ClinVar:

ClinVar aggregate classification (germline): Uncertain significance. Review status: criteria provided, single submitter (1 of 4 stars). 2 submissions from 2 submitters: Uncertain significance (1). 1 of the submissions does not count toward it. Last evaluated 2025-09-25.

Conditions:
KSR2-related disorder. Also called: KSR2-related condition.

gnomAD v4.1: 5 of 1,613,884 alleles (0.00031%); highest among the groups gnomAD compares: Admixed American, 0.0017%; no homozygotes.

Submissions (2):

Ambry Genetics
Classification: Uncertain significance. Last evaluated: 2025-09-25. Review status: criteria provided, single submitter. Criteria: Ambry Variant Classification Scheme 2023. Collection method: clinical testing. Allele origin: germline.

PreventionGenetics, part of Exact Sciences
Classification: Uncertain significance for KSR2-related condition. Last evaluated: 2023-12-28. Review status: no assertion criteria provided. Collection method: clinical testing. Allele origin: germline. Not counted in ClinVar's aggregate classification.
Comment: The KSR2 c.2357C>T variant is predicted to result in the amino acid substitution p.Ala786Val. To our knowledge, this variant has not been reported in the literature. This variant is reported in 0.0035% of alleles in individuals of European (Non-Finnish) descent in gnomAD. At this time, the clinical significance of this variant is uncertain due to the absence of conclusive functional and genetic evidence.

NM_173598.6(KSR2):c.2444C>T (p.Ala815Val)

Gene: KSR2 (kinase suppressor of ras 2; minus strand). Cytogenetic location: 12q24.22.
Variant type: single nucleotide variant.
Coding change: c.2444C>T on transcript NM_173598.6 (MANE Select); coding-DNA position 2444, C replaced by T.
Protein change: p.Ala815Val; replaces alanine 815 with valine.
Molecular consequence: missense variant.
Genome position (GRCh38, 1-based): chr12:117,484,422, G>A on the plus strand (C>T on the coding strand, the complement: KSR2 is on the minus strand). VCF-style: chr12-117484422-G-A. GRCh37 (hg19) VCF-style: chr12-117922227-G-A.
Other names: short protein forms A815V.
Identifiers: ClinVar variation 3356926 (VCV003356926.2).
Genomic context (GRCh38, chr12:117,484,422, plus strand): 5'-CCTCCTGACCATCATCTGTCAGGAAACTCTCCGGGTCTTCCCACTGCCTCTCACCTGCCA[G>A]CCTGCAGCACCCCAGAAATGCTGAAGAGTCCAAAGTCCGTGATGACCACTTTGCCGTTGT-3'
Protein context (NP_775869.4, residues 805-825): GLFSISGVLQ[Ala815Val]GRREDKLRIQ